The following is an entry in ClinVar:

ClinVar aggregate classification (germline): Uncertain significance (1 of 4 stars; one submission).

Conditions:
Inborn genetic diseases. Identifiers: MedGen C0950123, MeSH D030342.

Submission:

Ambry Genetics
Classification: Uncertain significance for Inborn genetic diseases. Last evaluated: 2021-02-03. Review status: criteria provided, single submitter. Criteria: Ambry Variant Classification Scheme 2023. Collection method: clinical testing. Allele origin: germline.
Comment: The p.Q859K variant (also known as c.2575C>A), located in coding exon 8 of the SETX gene, results from a C to A substitution at nucleotide position 2575. The glutamine at codon 859 is replaced by lysine, an amino acid with similar properties. This amino acid position is not well conserved in available vertebrate species, and lysine is the reference amino acid in other vertebrate species. In addition, this alteration is predicted to be tolerated by in silico analysis. Since supporting evidence is limited at this time, the clinical significance of this alteration remains unclear.

NM_015046.7(SETX):c.2575C>A (p.Gln859Lys)

Gene: SETX (senataxin; minus strand). Cytogenetic location: 9q34.13.
Variant type: single nucleotide variant.
Coding change: c.2575C>A on transcript NM_015046.7 (MANE Select); coding-DNA position 2575, C replaced by A.
Protein change: p.Gln859Lys; replaces glutamine 859 with lysine.
Molecular consequence: missense variant.
Genome position (GRCh38, 1-based): chr9:132,329,023, G>T on the plus strand (C>A on the coding strand, the complement: SETX is on the minus strand). VCF-style: chr9-132329023-G-T. GRCh37 (hg19) VCF-style: chr9-135204410-G-T.
Other names: c.2575C>A, p.Gln859Lys (NM_001351527.2, NM_001351528.2); short protein forms Q859K.
Identifiers: ClinVar variation 1793298 (VCV001793298.2), dbSNP rs2539120042, ClinGen allele CA375335292.